The following is an entry in ClinVar:

ClinVar aggregate classification (germline): Uncertain significance (1 of 4 stars; one submission).

Submission:

GeneDx
Classification: Uncertain significance. Last evaluated: 2017-06-16. Review status: criteria provided, single submitter. Criteria: GeneDx Variant Classification (06012015). Collection method: clinical testing. Allele origin: germline. Affected: yes.
Comment: The Q326X variant in the SAMD9 gene has not been reported previously as a pathogenic variant nor as a benign variant, to our knowledge. This variant is predicted to cause loss of normal protein function through protein truncation. The Q326X variant is not observed in large population cohorts (Lek et al., 2016; 1000 Genomes Consortium et al., 2015; Exome Variant Server). Based on currently available evidence, we interpret Q326X as a variant of uncertain significance.

NM_017654.4(SAMD9):c.976C>T (p.Gln326Ter)

Gene: SAMD9 (sterile alpha motif domain containing 9; minus strand). Cytogenetic location: 7q21.2.
Variant type: single nucleotide variant.
Coding change: c.976C>T on transcript NM_017654.4 (MANE Select); coding-DNA position 976, C replaced by T.
Protein change: p.Gln326Ter; replaces glutamine 326 with a stop codon.
Molecular consequence: nonsense.
Genome position (GRCh38, 1-based): chr7:93,105,122, G>A on the plus strand (C>T on the coding strand, the complement: SAMD9 is on the minus strand). VCF-style: chr7-93105122-G-A. GRCh37 (hg19) VCF-style: chr7-92734435-G-A.
Other names: c.976C>T, p.Gln326Ter (NM_001193307.2); short protein forms Q326*.
Identifiers: ClinVar variation 432262 (VCV000432262.2), dbSNP rs1554337294, ClinGen allele CA368202942.